The following is an entry in ClinVar:

ClinVar aggregate classification (germline): Pathogenic (1 of 4 stars; one submission).

Conditions:
Lamellar ichthyosis. Identifiers: Orphanet 313, MedGen C5848247, MONDO:0017778.

Allele frequency attached by ClinVar (database versions not stated): gnomAD exomes below 0.00001; TOPMed below 0.00001; ExAC 0.00001.
gnomAD v4.1: 3 of 1,613,810 alleles (0.00019%); highest among the groups gnomAD compares: Non-Finnish European, 0.00017%; no homozygotes.

Submission:

Women's Health and Genetics/Laboratory Corporation of America, LabCorp
Classification: Pathogenic for Lamellar ichthyosis. Last evaluated: 2025-06-09. Review status: criteria provided, single submitter. Criteria: LabCorp Variant Classification Summary - May 2015. Collection method: clinical testing. Allele origin: germline.
Comment: Variant summary: CERS3 c.686G>A (p.Arg229His) results in a non-conservative amino acid change located in the TRAM/LAG1/CLN8 homology domain (IPR006634) of the encoded protein sequence. Algorithms developed to predict the effect of missense changes on protein structure and function all suggest that this variant is likely to be disruptive. c.686G>A has been reported in the literature in multiple individuals affected with Lamellar Ichthyosis (e.g., Youssefian_2017, Youssefian_2019, Yamamoto_2021). These data indicate that the variant is very likely to be associated with disease. At least one publication reports experimental evidence evaluating an impact on protein function. The most pronounced variant effect results in 56% of normal ceramide synthase activity of CERS3 (Yamamoto_2021). ClinVar contains an entry for this variant (Variation ID: 2429320). Based on the evidence outlined above, the variant was classified as pathogenic.

Literature cited by the submitters: PubMed 30578701; PubMed 33492757; PubMed 28875980.

NM_001378789.1(CERS3):c.686G>A (p.Arg229His)

Gene: CERS3 (ceramide synthase 3; minus strand). Cytogenetic location: 15q26.3.
Variant type: single nucleotide variant.
Coding change: c.686G>A on transcript NM_001378789.1 (MANE Select); coding-DNA position 686, G replaced by A.
Protein change: p.Arg229His; replaces arginine 229 with histidine.
Molecular consequence: missense variant.
Genome position (GRCh38, 1-based): chr15:100,472,976, C>T on the plus strand (G>A on the coding strand, the complement: CERS3 is on the minus strand). VCF-style: chr15-100472976-C-T. GRCh37 (hg19) VCF-style: chr15-101013181-C-T.
Other names: c.719G>A, p.Arg240His (NM_001290341.2); c.686G>A, p.Arg229His (NM_001290342.2, NM_001290343.2, NM_178842.5); short protein forms R229H, R240H.
Identifiers: ClinVar variation 2429320 (VCV002429320.3), dbSNP rs752230253, ClinGen allele CA7758971.